The following is an entry in ClinVar:

NM_024422.6(DSC2):c.1620C>G (p.Ile540Met)

Gene: DSC2 (desmocollin 2; minus strand). Cytogenetic location: 18q12.1.
Variant type: single nucleotide variant.
Coding change: c.1620C>G on transcript NM_024422.6 (MANE Select); coding-DNA position 1620, C replaced by G.
Protein change: p.Ile540Met; replaces isoleucine 540 with methionine.
Molecular consequence: missense variant.
Genome position (GRCh38, 1-based): chr18:31,079,890, G>C on the plus strand (C>G on the coding strand, the complement: DSC2 is on the minus strand). VCF-style: chr18-31079890-G-C. GRCh37 (hg19) VCF-style: chr18-28659856-G-C.
Other names: c.1620C>G, p.Ile540Met (NM_004949.5); short protein forms I540M.
Identifiers: ClinVar variation 920162 (VCV000920162.14), dbSNP rs765374888, ClinGen allele CA032381.

ClinVar aggregate classification (germline): Conflicting classifications of pathogenicity. Review status: criteria provided, conflicting classifications (1 of 4 stars). 5 submissions from 5 submitters: Uncertain significance (3); Benign (1); Likely benign (1). Last evaluated 2025-11-21.

Conditions:
Cardiovascular phenotype. Identifiers: MedGen CN230736.
Familial isolated arrhythmogenic right ventricular dysplasia. Identifiers: Orphanet 217656, MedGen C4274968, MONDO:0016342.
Arrhythmogenic right ventricular dysplasia 11. Also called: ARRHYTHMOGENIC RIGHT VENTRICULAR DYSPLASIA, FAMILIAL, 11; Arrhythmogenic Right Ventricular Dysplasia/Cardiomyopathy11; Arrhythmogenic right ventricular dysplasia 11 with mild palmoplantar keratoderma and woolly hair. Identifiers: MedGen C1864850, MONDO:0012506, OMIM 610476.
Cardiomyopathy (CMYO). Also called: Cardiomyopathies. Identifiers: Orphanet 167848, MedGen C0878544, MONDO:0004994, HP:0001638. Inheritance: Various modes of inheritance.

Allele frequency attached by ClinVar (database versions not stated): gnomAD 0.00001; ExAC 0.00001.
gnomAD v4.1: 11 of 1,613,796 alleles (0.00068%); highest among the groups gnomAD compares: East Asian, 0.022%; no homozygotes.

Submissions (5):

Labcorp Genetics (formerly Invitae), Labcorp
Classification: Uncertain significance for Arrhythmogenic right ventricular dysplasia 11. Last evaluated: 2025-11-21. Review status: criteria provided, single submitter. Criteria: Invitae Variant Classification Sherloc (09022015). Collection method: clinical testing. Allele origin: germline.
Comment: This sequence change replaces isoleucine, which is neutral and non-polar, with methionine, which is neutral and non-polar, at codon 540 of the DSC2 protein (p.Ile540Met). This variant is present in population databases (rs765374888, gnomAD 0.006%). This variant has not been reported in the literature in individuals affected with DSC2-related conditions. ClinVar contains an entry for this variant (Variation ID: 920162). Invitae Evidence Modeling of protein sequence and biophysical properties (such as structural, functional, and spatial information, amino acid conservation, physicochemical variation, residue mobility, and thermodynamic stability) indicates that this missense variant is not expected to disrupt DSC2 protein function with a negative predictive value of 80%. In summary, the available evidence is currently insufficient to determine the role of this variant in disease. Therefore, it has been classified as a Variant of Uncertain Significance.

Color Diagnostics, LLC DBA Color Health
Classification: Likely benign for Cardiomyopathy. Last evaluated: 2025-06-20. Review status: criteria provided, single submitter. Criteria: ACMG Guidelines, 2015. Collection method: clinical testing. Allele origin: germline.

All of Us Research Program, National Institutes of Health
Classification: Uncertain significance for Familial isolated arrhythmogenic right ventricular dysplasia. Last evaluated: 2024-09-23. Review status: criteria provided, single submitter. Criteria: ACMG Guidelines, 2015. Collection method: clinical testing. Allele origin: germline. Inheritance: Autosomal dominant inheritance. Observed: 5 variant alleles, 5 heterozygotes.
Comment: This missense variant replaces isoleucine with methionine at codon 540 of the DSC2 protein. Computational prediction tools and conservation analyses suggest that this variant may not impact protein structure and function. Splice site prediction tools suggest that this variant may not impact RNA splicing. To our knowledge, functional studies have not been performed for this variant. This variant has not been reported in individuals affected with cardiovascular disorders in the literature. This variant has been identified in 3/251170 chromosomes in the general population by the Genome Aggregation Database (gnomAD). The available evidence is insufficient to determine the role of this variant in disease conclusively. Therefore, this variant is classified as a Variant of Uncertain Significance.

This study involves interpretation of variants in research participants for the purpose of population health screening. Participant phenotype was not available at the time of variant classification. Additional details can be found in publication PMID: 35346344, PMCID: PMC8962531

Ambry Genetics
Classification: Benign for Cardiovascular phenotype. Last evaluated: 2023-12-12. Review status: criteria provided, single submitter. Criteria: Ambry Variant Classification Scheme 2023. Collection method: clinical testing. Allele origin: germline.

CHEO Genetics Diagnostic Laboratory, Children's Hospital of Eastern Ontario
Classification: Uncertain significance for Cardiomyopathy. Last evaluated: 2022-03-01. Review status: criteria provided, single submitter. Criteria: ACMG Guidelines, 2015. Collection method: clinical testing. Allele origin: germline.

Literature cited by the submitters: PubMed 29192238 (cited by Ambry Genetics); PubMed 31983221 (cited by Ambry Genetics).